The following is an entry in ClinVar:

ClinVar aggregate classification (germline): Uncertain significance (1 of 4 stars; one submission).

Conditions:
Hereditary cancer-predisposing syndrome. Also called: Neoplastic Syndromes, Hereditary; Tumor predisposition; Hereditary Cancer Syndrome; Hereditary neoplastic syndrome. Identifiers: Orphanet 140162, MedGen C0027672, MeSH D009386, MONDO:0015356.

gnomAD v4.1: 2 of 1,613,992 alleles (0.00012%); highest among the groups gnomAD compares: Non-Finnish European, 0.00017%; no homozygotes.

Submission:

Ambry Genetics
Classification: Uncertain significance for Hereditary cancer-predisposing syndrome. Last evaluated: 2026-03-04. Review status: criteria provided, single submitter. Criteria: Ambry Variant Classification Scheme 2023. Collection method: clinical testing. Allele origin: germline.
Comment: The p.I213V variant (also known as c.637A>G), located in coding exon 6 of the EGFR gene, results from an A to G substitution at nucleotide position 637. The isoleucine at codon 213 is replaced by valine, an amino acid with highly similar properties. This amino acid position is conserved. In addition, this alteration is predicted to be tolerated by in silico analysis. Based on the available evidence, the clinical significance of this variant remains unclear.

NM_005228.5(EGFR):c.637A>G (p.Ile213Val)

Gene: EGFR (epidermal growth factor receptor; plus strand). Cytogenetic location: 7p11.2.
Variant type: single nucleotide variant.
Coding change: c.637A>G on transcript NM_005228.5 (MANE Select); coding-DNA position 637, A replaced by G.
Protein change: p.Ile213Val; replaces isoleucine 213 with valine.
Molecular consequence: missense variant. On other transcripts: intron variant (1).
Genome position (GRCh38, 1-based): chr7:55,152,554, A>G. VCF-style: chr7-55152554-A-G. GRCh37 (hg19) VCF-style: chr7-55220247-A-G.
Other names: c.502A>G, p.Ile168Val (NM_001346897.2, NM_001346899.2); c.637A>G, p.Ile213Val (NM_001346898.2, NM_201282.2, NM_201283.2 and 1 more transcripts); c.478A>G, p.Ile160Val (NM_001346900.2); c.89-3276A>G (NM_001346941.2); short protein forms I213V, I160V, I168V.
Identifiers: ClinVar variation 4826847 (VCV004826847.1).